The following is an entry in ClinVar:

NM_000138.5(FBN1):c.4161C>T (p.Tyr1387=)

Gene: FBN1 (fibrillin 1; minus strand). Cytogenetic location: 15q21.1.
Variant type: single nucleotide variant.
Coding change: c.4161C>T on transcript NM_000138.5 (MANE Select); coding-DNA position 4161, C replaced by T.
Protein change: p.Tyr1387=; no amino-acid change (tyrosine 1387 retained).
Molecular consequence: synonymous variant.
Genome position (GRCh38, 1-based): chr15:48,474,304, G>A on the plus strand (C>T on the coding strand, the complement: FBN1 is on the minus strand). VCF-style: chr15-48474304-G-A. GRCh37 (hg19) VCF-style: chr15-48766501-G-A.
Identifiers: ClinVar variation 1160478 (VCV001160478.14), dbSNP rs1332403498, ClinGen allele CA490014787.
Genomic context (GRCh38, chr15:48,474,304, plus strand): 5'-CGTGAACATACCTGTACAAGTGAAGCCATCACCTGTGTATCCTTCCTTGCACAGACAGCG[G>A]TAAGATCCCATGGTATTCTTGCAGTCTGCATGCTGGCTGCACATATGGGTTCCATTGGAA-3'
Protein context (NP_000129.3, residues 1377-1397): HADCKNTMGS[Tyr1387=]RCLCKEGYTG

ClinVar aggregate classification (germline): Likely benign. Review status: criteria provided, multiple submitters, no conflicts (2 of 4 stars). 4 submissions from 4 submitters: Likely benign (4). Last evaluated 2025-10-25.

Conditions:
Familial thoracic aortic aneurysm and aortic dissection (TAAD). Also called: Thoracic aortic aneurysms and dissections. Identifiers: Orphanet 91387, MedGen C4707243, MONDO:0019625.
Marfan syndrome (MFS). Also called: Marfan syndrome type 1; Marfan's syndrome; Marfan syndrome, classic; MARFAN SYNDROME, TYPE I; FBN1-Related Marfan Syndrome. Identifiers: Orphanet 284963, Orphanet 558, MedGen C0024796, MONDO:0007947, OMIM 154700.

Allele frequency attached by ClinVar (database versions not stated): gnomAD 0.00001; gnomAD exomes 0.00001; TOPMed 0.00001.
gnomAD v4.1: 16 of 1,613,952 alleles (0.00099%); highest among the groups gnomAD compares: Non-Finnish European, 0.0014%; no homozygotes.

Submissions (4):

Labcorp Genetics (formerly Invitae), Labcorp
Classification: Likely benign for Marfan syndrome; Familial thoracic aortic aneurysm and aortic dissection. Last evaluated: 2025-10-25. Review status: criteria provided, single submitter. Criteria: Invitae Variant Classification Sherloc (09022015). Collection method: clinical testing. Allele origin: germline.

All of Us Research Program, National Institutes of Health
Classification: Likely benign for Marfan syndrome. Last evaluated: 2023-02-24. Review status: criteria provided, single submitter. Criteria: ACMG Guidelines, 2015. Collection method: clinical testing. Allele origin: germline. Inheritance: Autosomal dominant inheritance. Observed: 1 variant allele, 1 heterozygote.
Comment: This study involves interpretation of variants in research participants for the purpose of population health screening. Participant phenotype was not available at the time of variant classification. Additional details can be found in publication PMID: 35346344, PMCID: PMC8962531

Ambry Genetics
Classification: Likely benign for Familial thoracic aortic aneurysm and aortic dissection. Last evaluated: 2022-08-27. Review status: criteria provided, single submitter. Criteria: Ambry Variant Classification Scheme 2023. Collection method: clinical testing. Allele origin: germline.

Color Diagnostics, LLC DBA Color Health
Classification: Likely benign for Familial thoracic aortic aneurysm and aortic dissection. Last evaluated: 2021-08-30. Review status: criteria provided, single submitter. Criteria: ACMG Guidelines, 2015. Collection method: clinical testing. Allele origin: germline.